The following is an entry in ClinVar:

Single allele

Genes: AGBL2 (AGBL carboxypeptidase 2; minus strand), C1QTNF4 (C1q and TNF related 4; minus strand), CELF1 (CUGBP Elav-like family member 1; minus strand), FAM180B (family with sequence similarity 180 member B; plus strand), FNBP4 (formin binding protein 4; minus strand) and 25 more. Cytogenetic location: 11p11.2.
Variant type: Deletion.
Identifiers: ClinVar variation 3392517 (VCV003392517.1).

ClinVar aggregate classification (germline): Pathogenic (0 of 4 stars; one submission).

Conditions:
Agammaglobulinemia. Identifiers: Orphanet 183669, MedGen C0001768, MeSH D000361, MONDO:0015977, HP:0004432.

Submission:

Neil Romberg Laboratory, Children's Hospital of Philadelphia
Classification: Pathogenic for Agammaglobulinemia. Last evaluated: 2024-12-12. Review status: no assertion criteria provided. Collection method: research. Allele origin: germline. Affected: yes.
Comment: This chromosome microdeletion excises the entire SPI1 gene locus from the genome